The following is an entry in ClinVar:

NM_002936.6(RNASEH1):c.766A>G (p.Ile256Val)

Gene: RNASEH1 (ribonuclease H1; minus strand). Cytogenetic location: 2p25.3.
Variant type: single nucleotide variant.
Coding change: c.766A>G on transcript NM_002936.6 (MANE Select); coding-DNA position 766, A replaced by G.
Protein change: p.Ile256Val; replaces isoleucine 256 with valine.
Molecular consequence: missense variant. On other transcripts: non-coding transcript variant (7).
Genome position (GRCh38, 1-based): chr2:3,547,939, T>C on the plus strand (A>G on the coding strand, the complement: RNASEH1 is on the minus strand). VCF-style: chr2-3547939-T-C. GRCh37 (hg19) VCF-style: chr2-3595529-T-C.
Other names: c.688A>G, p.Ile230Val (NM_001286834.3); c.415A>G, p.Ile139Val (NM_001286837.3); c.766A>G, p.Ile256Val (NM_001378271.1); c.763A>G, p.Ile255Val (NM_001378272.1); c.751A>G, p.Ile251Val (NM_001378273.1); short protein forms I251V, I255V, I256V, I139V, I230V.
Identifiers: ClinVar variation 3715209 (VCV003715209.2).
Genomic context (GRCh38, chr2:3,547,939, plus strand): 5'-TTAGCTTATTTGGTCATAATGGCCATAGGACATGAACATTTAAGATACTCACCCACTGAA[T>C]GTCCATCCCCTGGGTAAGCCTCTCCAGTGCCACAAAGTCCTCTTTGTTGATCACCTCTTT-3'
Protein context (NP_002927.2, residues 246-266): ALERLTQGMD[Ile256Val]QWMHVPGHSG

ClinVar aggregate classification (germline): Uncertain significance (1 of 4 stars; one submission).

gnomAD v4.1: 2 of 1,613,918 alleles (0.00012%); highest among the groups gnomAD compares: South Asian, 0.0022%; no homozygotes.

Submission:

Labcorp Genetics (formerly Invitae), Labcorp
Classification: Uncertain significance. Last evaluated: 2024-11-02. Review status: criteria provided, single submitter. Criteria: Invitae Variant Classification Sherloc (09022015). Collection method: clinical testing. Allele origin: germline.
Comment: This sequence change replaces isoleucine, which is neutral and non-polar, with valine, which is neutral and non-polar, at codon 256 of the RNASEH1 protein (p.Ile256Val). This variant is present in population databases (rs780098127, gnomAD 0.006%). This variant has not been reported in the literature in individuals affected with RNASEH1-related conditions. Invitae Evidence Modeling of protein sequence and biophysical properties (such as structural, functional, and spatial information, amino acid conservation, physicochemical variation, residue mobility, and thermodynamic stability) indicates that this missense variant is not expected to disrupt RNASEH1 protein function with a negative predictive value of 80%. In summary, the available evidence is currently insufficient to determine the role of this variant in disease. Therefore, it has been classified as a Variant of Uncertain Significance.